The following is an entry in ClinVar:

NC_012920.1(MT-ATP8):m.8531A>G

Genes: MT-ATP6 (mitochondrially encoded ATP synthase 6; plus strand), MT-ATP8 (mitochondrially encoded ATP synthase 8; plus strand).
Variant type: single nucleotide variant.
Genome position: chrM-8531-A-G.
Identifiers: ClinVar variation 692888 (VCV000692888.1), dbSNP rs1556423481, ClinGen allele CA414796533.

ClinVar aggregate classification (germline): Likely benign (1 of 4 stars; one submission).

Conditions:
Leigh syndrome (NULS). Also called: Leigh's necrotizing encephalopathy; Leigh's disease; Leigh Syndrome (mtDNA deletion); Leigh Disease; Subacute necrotizing encephalopathy; Necrotizing encephalopathy infantile subacute of Leigh. Identifiers: Orphanet 506, MedGen C2931891, MONDO:0009723, OMIM 256000.

Submission:

Wong Mito Lab, Molecular and Human Genetics, Baylor College of Medicine
Classification: Likely benign for Leigh syndrome. Last evaluated: 2019-10-17. Review status: criteria provided, single submitter. Criteria: Modified ACMG Guidelines (Unpublished). Collection method: clinical testing. Allele origin: germline.
Comment: The NC_012920.1:m.8531A>G (YP_003024031.1:p.Asn2Ser) variant in MTATP6 gene (also (YP_003024030.1:p.Thr56Ala) variant in MTATP8 gene) is interpretated to be a Likely Benign variant based on the modified ACMG guidelines (unpublished). This variant meets the following evidence codes: BS1, BP6